The following is an entry in ClinVar:

NM_000046.5(ARSB):c.113del (p.Gly38fs)

Genes: ARSB (arylsulfatase B; minus strand), LOC129994126 (ATAC-STARR-seq lymphoblastoid silent region 16127; plus strand). Cytogenetic location: 5q14.1.
Variant type: Deletion.
Coding change: c.113del on transcript NM_000046.5 (MANE Select); coding-DNA position 113, one base deleted (G; older notation c.113delG).
Protein change: p.Gly38fs; shifts the reading frame from glycine 38.
Molecular consequence: frameshift variant.
Genome position (GRCh38, 1-based): chr5:78,985,136, C deleted on the plus strand (G on the coding strand, the reverse complement: ARSB is on the minus strand); the first of 3 consecutive C bases (chr5:78,985,136-78,985,138); deleting any one gives the same sequence. VCF-style (leftmost placement, unchanged base first): chr5-78985135-GC-G. GRCh37 (hg19) VCF-style: chr5-78280958-GC-G.
Other names: c.113del, p.Gly38fs (NM_198709.3); c.113delG (NM_000046.5); short protein forms G38fs.
Identifiers: ClinVar variation 1070404 (VCV001070404.14), dbSNP rs1349838988, ClinGen allele CA445104983.

ClinVar aggregate classification (germline): Pathogenic/Likely pathogenic. Review status: criteria provided, multiple submitters, no conflicts (2 of 4 stars). 3 submissions from 3 submitters: Pathogenic (1); Likely pathogenic (2). Last evaluated 2024-06-10.

Conditions:
Mucopolysaccharidosis type 6 (MPS6). Also called: ARSB DEFICIENCY; ARYLSULFATASE B DEFICIENCY; N-ACETYLGALACTOSAMINE-4-SULFATASE DEFICIENCY; MPS VI; MPS 6; Maroteaux Lamy syndrome. Identifiers: Orphanet 583, MedGen C0026709, MONDO:0009661, OMIM 253200.
ARSB-related disorder. Also called: ARSB-related condition.

Submissions (3):

Labcorp Genetics (formerly Invitae), Labcorp
Classification: Pathogenic for Mucopolysaccharidosis type 6. Last evaluated: 2024-06-10. Review status: criteria provided, single submitter. Criteria: Invitae Variant Classification Sherloc (09022015). Collection method: clinical testing. Allele origin: germline.
Comment: This sequence change creates a premature translational stop signal (p.Gly38Alafs*18) in the ARSB gene. It is expected to result in an absent or disrupted protein product. Loss-of-function variants in ARSB are known to be pathogenic (PMID: 17458871, 22133300). This variant is present in population databases (no rsID available, gnomAD 0.007%). This premature translational stop signal has been observed in individual(s) with mucopolysaccharidosis type VI (PMID: 17458871). This variant is also known as c.114delG. ClinVar contains an entry for this variant (Variation ID: 1070404). For these reasons, this variant has been classified as Pathogenic.

Molecular Genetics, Royal Melbourne Hospital
Classification: Likely pathogenic for Mucopolysaccharidosis type 6. Last evaluated: 2023-05-05. Review status: criteria provided, single submitter. Criteria: ACMG Guidelines, 2015. Collection method: clinical testing. Allele origin: germline.
Comment: This sequence change in ARSB is a frameshift variant predicted to cause a premature stop codon, p.(Gly38Alafs*18), in biologically relevant exon 1/8 leading to nonsense-mediated decay in a gene in which loss-of-function is an established disease mechanism (PMID: 17458871). The highest population minor allele frequency in the population database gnomAD v3.1 is 0.003% (2/67,888 alleles) in the European (non-Finnish) population, which is consistent with Mucopolysaccharidosis type VI. To our knowledge, this variant is novel and has not been previously reported in the relevant scientific literature. Based on the classification scheme RMH Modified ACMG/AMP Guidelines v1.6.1, this variant is classified as LIKELY PATHOGENIC. Following criteria are met: PVS1, PM2_Supporting.

Blueprint Genetics
Classification: Likely pathogenic for ARSB-related disorders. Last evaluated: 2019-09-20. Review status: criteria provided, single submitter. Criteria: ACMG Guidelines, 2015. Collection method: clinical testing. Allele origin: germline. Affected: yes. Observed: 1 variant allele.

Literature cited by the submitters: PubMed 17458871 (cited by Labcorp Genetics (formerly Invitae), Labcorp and Molecular Genetics, Royal Melbourne Hospital); PubMed 22133300 (cited by Labcorp Genetics (formerly Invitae), Labcorp).